The following is an entry in ClinVar:

NM_001458.5(FLNC):c.1133T>C (p.Val378Ala)

Gene: FLNC (filamin C; plus strand). Cytogenetic location: 7q32.1.
Variant type: single nucleotide variant.
Coding change: c.1133T>C on transcript NM_001458.5 (MANE Select); coding-DNA position 1133, T replaced by C.
Protein change: p.Val378Ala; replaces valine 378 with alanine.
Molecular consequence: missense variant.
Genome position (GRCh38, 1-based): chr7:128,838,352, T>C. VCF-style: chr7-128838352-T-C. GRCh37 (hg19) VCF-style: chr7-128478406-T-C.
Other names: c.1133T>C, p.Val378Ala (NM_001127487.2); short protein forms V378A.
Identifiers: ClinVar variation 4812471 (VCV004812471.1).
Genomic context (GRCh38, chr7:128,838,352, plus strand): 5'-ACATTGAACGCAGTCCCTTTGAGGTGAACGTGGGCATGGCCCTGGGAGATGCCAACAAGG[T>C]GTCAGCCCGTGGCCCTGGCCTGGAACCTGTGGGCAATGTGGCCAACAAACCCACCTACTT-3'
Protein context (NP_001449.3, residues 368-388): VGMALGDANK[Val378Ala]SARGPGLEPV

ClinVar aggregate classification (germline): Uncertain significance (1 of 4 stars; one submission).

Conditions:
Hypertrophic cardiomyopathy 26. Also called: Cardiomyopathy, familial hypertrophic, 26. Identifiers: Orphanet 75249, MedGen C4310749, MONDO:0014883, OMIM 617047.
Myofibrillar myopathy 5. Also called: Filaminopathy (type); FILAMINOPATHY, AUTOSOMAL DOMINANT. Identifiers: Orphanet 171445, MedGen C1836050, MONDO:0012289, OMIM 609524.
Distal myopathy with posterior leg and anterior hand involvement. Also called: WILLIAMS DISTAL MYOPATHY. Identifiers: Orphanet 63273, MedGen C3279722, MONDO:0013550, OMIM 614065.

Submission:

Labcorp Genetics (formerly Invitae), Labcorp
Classification: Uncertain significance for Distal myopathy with posterior leg and anterior hand involvement; Myofibrillar myopathy 5; Hypertrophic cardiomyopathy 26. Last evaluated: 2025-08-10. Review status: criteria provided, single submitter. Criteria: Invitae Variant Classification Sherloc (09022015). Collection method: clinical testing. Allele origin: germline.
Comment: This sequence change replaces valine, which is neutral and non-polar, with alanine, which is neutral and non-polar, at codon 378 of the FLNC protein (p.Val378Ala). This variant is not present in population databases (gnomAD no frequency). This variant has not been reported in the literature in individuals affected with FLNC-related conditions. Invitae Evidence Modeling of protein sequence and biophysical properties (such as structural, functional, and spatial information, amino acid conservation, physicochemical variation, residue mobility, and thermodynamic stability) has been performed for this missense variant. However, the output from this modeling did not meet the statistical confidence thresholds required to predict the impact of this variant on FLNC protein function. In summary, the available evidence is currently insufficient to determine the role of this variant in disease. Therefore, it has been classified as a Variant of Uncertain Significance.